The following is an entry in ClinVar:

ClinVar aggregate classification (germline): Uncertain significance (1 of 4 stars; one submission).

Allele frequency attached by ClinVar (database versions not stated): TOPMed below 0.00001; gnomAD 0.00001.
gnomAD v4.1: 1 of 1,586,240 alleles (0.000063%); highest among the groups gnomAD compares: Non-Finnish European, 0.000086%; no homozygotes.

Submission:

Labcorp Genetics (formerly Invitae), Labcorp
Classification: Uncertain significance. Last evaluated: 2022-01-21. Review status: criteria provided, single submitter. Criteria: Invitae Variant Classification Sherloc (09022015). Collection method: clinical testing. Allele origin: germline.
Comment: In summary, the available evidence is currently insufficient to determine the role of this variant in disease. Therefore, it has been classified as a Variant of Uncertain Significance. Experimental studies and prediction algorithms are not available or were not evaluated, and the functional significance of this variant is currently unknown. This variant has not been reported in the literature in individuals affected with ADSSL1-related conditions. This variant is not present in population databases (gnomAD no frequency). This sequence change replaces leucine, which is neutral and non-polar, with arginine, which is basic and polar, at codon 22 of the ADSSL1 protein (p.Leu22Arg).

NM_152328.5(ADSS1):c.193-5063T>G

Gene: ADSS1 (adenylosuccinate synthase 1; plus strand). Cytogenetic location: 14q32.33.
Variant type: single nucleotide variant.
Coding change: c.193-5063T>G on transcript NM_152328.5 (MANE Select); 5063 bases into the intron before coding-DNA position 193, T replaced by G.
Molecular consequence: intron variant. On other transcripts: 5 prime UTR variant (1), missense variant (1).
Genome position (GRCh38, 1-based): chr14:104,729,957, T>G. VCF-style: chr14-104729957-T-G. GRCh37 (hg19) VCF-style: chr14-105196294-T-G.
Other names: c.-663T>G (NM_001320424.1); c.65T>G, p.Leu22Arg (NM_199165.2); short protein forms L22R.
Identifiers: ClinVar variation 1963688 (VCV001963688.5), dbSNP rs1890857928, ClinGen allele CA391232481.